The following is an entry in ClinVar:

NM_000260.4(MYO7A):c.3678C>G (p.Tyr1226Ter)

Gene: MYO7A (myosin VIIA; plus strand). Cytogenetic location: 11q13.5.
Variant type: single nucleotide variant.
Coding change: c.3678C>G on transcript NM_000260.4 (MANE Select); coding-DNA position 3678, C replaced by G.
Protein change: p.Tyr1226Ter; replaces tyrosine 1226 with a stop codon.
Molecular consequence: nonsense.
Genome position (GRCh38, 1-based): chr11:77,190,067, C>G. VCF-style: chr11-77190067-C-G. GRCh37 (hg19) VCF-style: chr11-76901112-C-G.
Other names: c.3678C>G, p.Tyr1226Ter (NM_001127180.2); c.3645C>G, p.Tyr1215Ter (NM_001369365.1); short protein forms Y1215*, Y1226*.
Identifiers: ClinVar variation 3687493 (VCV003687493.2).

ClinVar aggregate classification (germline): Pathogenic (1 of 4 stars; one submission).

Submission:

Labcorp Genetics (formerly Invitae), Labcorp
Classification: Pathogenic. Last evaluated: 2024-06-29. Review status: criteria provided, single submitter. Criteria: Invitae Variant Classification Sherloc (09022015). Collection method: clinical testing. Allele origin: germline.
Comment: This sequence change creates a premature translational stop signal (p.Tyr1226*) in the MYO7A gene. It is expected to result in an absent or disrupted protein product. Loss-of-function variants in MYO7A are known to be pathogenic (PMID: 8900236, 25404053). This variant is not present in population databases (gnomAD no frequency). This variant has not been reported in the literature in individuals affected with MYO7A-related conditions. Algorithms developed to predict the effect of sequence changes on RNA splicing suggest that this variant may disrupt the consensus splice site. For these reasons, this variant has been classified as Pathogenic.

Literature cited by the submitters: PubMed 8900236; PubMed 25404053.